The following is an entry in ClinVar:

ClinVar aggregate classification (germline): Uncertain significance. Review status: criteria provided, multiple submitters, no conflicts (2 of 4 stars). 5 submissions from 5 submitters: Uncertain significance (5). Last evaluated 2025-09-10.

Conditions:
Hereditary cancer-predisposing syndrome. Also called: Tumor predisposition; Hereditary Cancer Syndrome; Neoplastic Syndromes, Hereditary; Hereditary neoplastic syndrome. Identifiers: Orphanet 140162, MedGen C0027672, MeSH D009386, MONDO:0015356.
Familial adenomatous polyposis 1 (FAP1). Also called: FAMILIAL ADENOMATOUS POLYPOSIS 1, ATTENUATED; POLYPOSIS, ADENOMATOUS INTESTINAL. Identifiers: MedGen C2713442, MONDO:0021056, OMIM 175100. Disease mechanism: loss of function.
Classic or attenuated familial adenomatous polyposis. Identifiers: MedGen CN372698, MONDO:0021057.

Allele frequency attached by ClinVar (database versions not stated): gnomAD exomes below 0.00001; TOPMed below 0.00001.
gnomAD v4.1: 1 of 1,614,094 alleles (0.000062%); highest among the groups gnomAD compares: African/African-American, 0.0013%; no homozygotes.

Submissions (5):

Color Diagnostics, LLC DBA Color Health
Classification: Uncertain significance for Hereditary cancer-predisposing syndrome. Last evaluated: 2025-09-10. Review status: criteria provided, single submitter. Criteria: ACMG Guidelines, 2015. Collection method: clinical testing. Allele origin: germline.
Comment: This missense variant replaces aspartic acid with tyrosine at codon 342 of the APC protein. Computational prediction suggests that this variant may have deleterious impact on protein structure and function. APC is defined as a gene for which primarily truncating variants are known to cause disease (ClinGen HCCP VCEP).\\ To our knowledge, functional studies have not been reported for this variant. This variant has not been reported in individuals affected with APC-related disorders in the literature. This variant has not been identified in the general population by the Genome Aggregation Database (gnomAD). The available evidence is insufficient to determine the role of this variant in disease conclusively. Therefore, this variant is classified as a Variant of Uncertain Significance.

Ambry Genetics
Classification: Uncertain significance for Hereditary cancer-predisposing syndrome. Last evaluated: 2025-08-12. Review status: criteria provided, single submitter. Criteria: Ambry Variant Classification Scheme 2023. Collection method: clinical testing. Allele origin: germline.
Comment: The p.D342Y variant (also known as c.1024G>T), located in coding exon 9 of the APC gene, results from a G to T substitution at nucleotide position 1024. The aspartic acid at codon 342 is replaced by tyrosine, an amino acid with highly dissimilar properties. This amino acid position is highly conserved in available vertebrate species. In addition, in silico predictors for this gene do not accurately predict pathogenicity. Since supporting evidence is limited at this time, the clinical significance of this alteration remains unclear.

All of Us Research Program, National Institutes of Health
Classification: Uncertain significance for Classic or attenuated familial adenomatous polyposis. Last evaluated: 2024-01-11. Review status: criteria provided, single submitter. Criteria: ACMG Guidelines, 2015. Collection method: clinical testing. Allele origin: germline. Inheritance: Autosomal dominant inheritance. Observed: 1 variant allele, 1 heterozygote.
Comment: This study involves interpretation of variants in research participants for the purpose of population health screening. Participant phenotype was not available at the time of variant classification. Additional details can be found in publication PMID: 35346344, PMCID: PMC8962531

Baylor Genetics
Classification: Uncertain significance for Familial adenomatous polyposis 1. Last evaluated: 2024-01-08. Review status: criteria provided, single submitter. Criteria: ACMG Guidelines, 2015. Collection method: clinical testing. Allele origin: unknown.

Labcorp Genetics (formerly Invitae), Labcorp
Classification: Uncertain significance for Familial adenomatous polyposis 1. Last evaluated: 2021-05-27. Review status: criteria provided, single submitter. Criteria: Invitae Variant Classification Sherloc (09022015). Collection method: clinical testing. Allele origin: germline.
Comment: This sequence change replaces aspartic acid with tyrosine at codon 342 of the APC protein (p.Asp342Tyr). The aspartic acid residue is highly conserved and there is a large physicochemical difference between aspartic acid and tyrosine. In summary, the available evidence is currently insufficient to determine the role of this variant in disease. Therefore, it has been classified as a Variant of Uncertain Significance. Algorithms developed to predict the effect of missense changes on protein structure and function are either unavailable or do not agree on the potential impact of this missense change (SIFT: "Deleterious"; PolyPhen-2: "Possibly Damaging"; Align-GVGD: "Class C15"). This variant has not been reported in the literature in individuals with APC-related conditions. This variant is not present in population databases (ExAC no frequency).

NM_000038.6(APC):c.1024G>T (p.Asp342Tyr)

Gene: APC (APC regulator of Wnt signaling pathway; plus strand). Cytogenetic location: 5q22.2.
Variant type: single nucleotide variant.
Coding change: c.1024G>T on transcript NM_000038.6 (MANE Select); coding-DNA position 1024, G replaced by T.
Protein change: p.Asp342Tyr; replaces aspartic acid 342 with tyrosine.
Molecular consequence: missense variant. On other transcripts: intron variant (4).
Genome position (GRCh38, 1-based): chr5:112,819,056, G>T. VCF-style: chr5-112819056-G-T. GRCh37 (hg19) VCF-style: chr5-112154753-G-T.
Other names: c.1024G>T, p.Asp342Tyr (NM_001127510.3, NM_001354895.2, NM_001354896.2); c.970G>T, p.Asp324Tyr (NM_001127511.3); c.1054G>T, p.Asp352Tyr (NM_001354897.2); c.949G>T, p.Asp317Tyr (NM_001354898.2); c.940G>T, p.Asp314Tyr (NM_001354899.2); c.847G>T, p.Asp283Tyr (NM_001354900.2, NM_001354901.2); c.175G>T, p.Asp59Tyr (NM_001354906.2); c.964-213G>T (NM_001354902.2); and 3 more; short protein forms D352Y, D317Y, D324Y, D342Y, D283Y, D314Y, D59Y.
Identifiers: ClinVar variation 822033 (VCV000822033.18), dbSNP rs1580528424, ClinGen allele CA16023552.